The following is an entry in ClinVar:

ClinVar aggregate classification (germline): Uncertain significance (1 of 4 stars; one submission).

Conditions:
Long QT syndrome (LQTS). Identifiers: MedGen C0023976, MeSH D008133, MONDO:0002442. Disease mechanism: loss of function. Inheritance: Various modes of inheritance.

Allele frequency attached by ClinVar (database versions not stated): gnomAD exomes below 0.00001; ExAC 0.00001.
gnomAD v4.1: 2 of 1,614,078 alleles (0.00012%); highest among the groups gnomAD compares: East Asian, 0.0045%; no homozygotes.

Submission:

Labcorp Genetics (formerly Invitae), Labcorp
Classification: Uncertain significance for Long QT syndrome. Last evaluated: 2023-12-05. Review status: criteria provided, single submitter. Criteria: Invitae Variant Classification Sherloc (09022015). Collection method: clinical testing. Allele origin: germline.
Comment: This sequence change replaces glutamic acid, which is acidic and polar, with glycine, which is neutral and non-polar, at codon 435 of the KCNH2 protein (p.Glu435Gly). This variant is present in population databases (rs759305745, gnomAD 0.006%). This variant has not been reported in the literature in individuals affected with KCNH2-related conditions. An algorithm developed to predict the effect of missense changes on protein structure and function (PolyPhen-2) suggests that this variant is likely to be tolerated. In summary, the available evidence is currently insufficient to determine the role of this variant in disease. Therefore, it has been classified as a Variant of Uncertain Significance.

NM_000238.4(KCNH2):c.1304A>G (p.Glu435Gly)

Gene: KCNH2 (potassium voltage-gated channel subfamily H member 2; minus strand). Cytogenetic location: 7q36.1.
Variant type: single nucleotide variant.
Coding change: c.1304A>G on transcript NM_000238.4 (MANE Select); coding-DNA position 1304, A replaced by G.
Protein change: p.Glu435Gly; replaces glutamic acid 435 with glycine.
Molecular consequence: missense variant. On other transcripts: non-coding transcript variant (2).
Genome position (GRCh38, 1-based): chr7:150,952,678, T>C on the plus strand (A>G on the coding strand, the complement: KCNH2 is on the minus strand). VCF-style: chr7-150952678-T-C. GRCh37 (hg19) VCF-style: chr7-150649766-T-C.
Other names: c.284A>G, p.Glu95Gly (NM_001204798.2, NM_172057.3); c.1016A>G, p.Glu339Gly (NM_001406753.1, NM_001406756.1); c.1127A>G, p.Glu376Gly (NM_001406755.1); c.1004A>G, p.Glu335Gly (NM_001406757.1); c.1304A>G, p.Glu435Gly (NM_172056.3); short protein forms E335G, E339G, E376G, E95G, E435G.
Identifiers: ClinVar variation 2900314 (VCV002900314.3), dbSNP rs759305745, ClinGen allele CA027568.
Genomic context (GRCh38, chr7:150,952,678, plus strand): 5'-ACCACAGCCAGCGGCTGGCAGGCGTAGCCACACTCGGTAGCAGGCGGGCCTTCTTCCGTC[T>C]CCTTCAGCAGGAAGGCAGCCGAGTAGGGTGTGAAGACAGCCGTGTAGATGACCAGCAGCA-3'
Protein context (NP_000229.1, residues 425-445): TPYSAAFLLK[Glu435Gly]TEEGPPATEC